The following is an entry in ClinVar:

ClinVar aggregate classification (germline): Uncertain significance. Review status: criteria provided, multiple submitters, no conflicts (2 of 4 stars). 2 submissions from 2 submitters: Uncertain significance (2). Last evaluated 2022-08-05.

Conditions:
Alstrom syndrome (ALMS). Identifiers: Orphanet 64, MedGen C0268425, MONDO:0008763, OMIM 203800.

Submissions (2):

Labcorp Genetics (formerly Invitae), Labcorp
Classification: Uncertain significance for Alstrom syndrome. Last evaluated: 2022-08-05. Review status: criteria provided, single submitter. Criteria: Invitae Variant Classification Sherloc (09022015). Collection method: clinical testing. Allele origin: germline.
Comment: Experimental studies and prediction algorithms are not available or were not evaluated, and the functional significance of this variant is currently unknown. This sequence change replaces threonine, which is neutral and polar, with alanine, which is neutral and non-polar, at codon 3592 of the ALMS1 protein (p.Thr3592Ala). This variant is not present in population databases (gnomAD no frequency). This variant has not been reported in the literature in individuals affected with ALMS1-related conditions. In summary, the available evidence is currently insufficient to determine the role of this variant in disease. Therefore, it has been classified as a Variant of Uncertain Significance.

New York Genome Center
Classification: Uncertain significance for Alstrom syndrome. Last evaluated: 2022-01-14. Review status: criteria provided, single submitter. Criteria: NYGC Assertion Criteria 2020. Collection method: clinical testing. Allele origin: germline. Observed: 1 heterozygote.

NM_001378454.1(ALMS1):c.10771A>G (p.Thr3591Ala)

Gene: ALMS1 (ALMS1 centrosome and basal body associated protein; plus strand). Cytogenetic location: 2p13.1.
Variant type: single nucleotide variant.
Coding change: c.10771A>G on transcript NM_001378454.1 (MANE Select); coding-DNA position 10771, A replaced by G.
Protein change: p.Thr3591Ala; replaces threonine 3591 with alanine.
Molecular consequence: missense variant.
Genome position (GRCh38, 1-based): chr2:73,572,648, A>G. VCF-style: chr2-73572648-A-G. GRCh37 (hg19) VCF-style: chr2-73799775-A-G.
Other names: c.10774A>G, p.Thr3592Ala (NM_015120.4); short protein forms T3591A, T3592A.
Identifiers: ClinVar variation 1803901 (VCV001803901.6), dbSNP rs2466444489, ClinGen allele CA347285388.